The following is an entry in ClinVar:

NM_004304.5(ALK):c.2847A>C (p.Glu949Asp)

Gene: ALK (ALK receptor tyrosine kinase; minus strand). Cytogenetic location: 2p23.2.
Variant type: single nucleotide variant.
Coding change: c.2847A>C on transcript NM_004304.5 (MANE Select); coding-DNA position 2847, A replaced by C.
Protein change: p.Glu949Asp; replaces glutamic acid 949 with aspartic acid.
Molecular consequence: missense variant.
Genome position (GRCh38, 1-based): chr2:29,227,641, T>G on the plus strand (A>C on the coding strand, the complement: ALK is on the minus strand). VCF-style: chr2-29227641-T-G. GRCh37 (hg19) VCF-style: chr2-29450507-T-G.
Other names: short protein forms E949D.
Identifiers: ClinVar variation 1796776 (VCV001796776.6), dbSNP rs1664045937, ClinGen allele CA346468732.

ClinVar aggregate classification (germline): Uncertain significance. Review status: criteria provided, multiple submitters, no conflicts (2 of 4 stars). 2 submissions from 2 submitters: Uncertain significance (2). Last evaluated 2023-02-01.

Conditions:
Neuroblastoma, susceptibility to, 3. Also called: ALK-Related Neuroblastic Tumor Susceptibility. Identifiers: Orphanet 635, MedGen C2751681, MONDO:0013083, OMIM 613014.
Hereditary cancer-predisposing syndrome. Also called: Neoplastic Syndromes, Hereditary; Tumor predisposition; Hereditary neoplastic syndrome; Hereditary Cancer Syndrome. Identifiers: Orphanet 140162, MedGen C0027672, MeSH D009386, MONDO:0015356.

Allele frequency attached by ClinVar (database versions not stated): gnomAD exomes below 0.00001.
gnomAD v4.1: 2 of 1,613,918 alleles (0.00012%); highest among the groups gnomAD compares: South Asian, 0.0022%; no homozygotes.

Submissions (2):

Labcorp Genetics (formerly Invitae), Labcorp
Classification: Uncertain significance for Neuroblastoma, susceptibility to, 3. Last evaluated: 2023-02-01. Review status: criteria provided, single submitter. Criteria: Invitae Variant Classification Sherloc (09022015). Collection method: clinical testing. Allele origin: germline.
Comment: This sequence change replaces glutamic acid, which is acidic and polar, with aspartic acid, which is acidic and polar, at codon 949 of the ALK protein (p.Glu949Asp). This variant is not present in population databases (gnomAD no frequency). This variant has not been reported in the literature in individuals affected with ALK-related conditions. ClinVar contains an entry for this variant (Variation ID: 1796776). Algorithms developed to predict the effect of missense changes on protein structure and function (SIFT, PolyPhen-2, Align-GVGD) all suggest that this variant is likely to be disruptive. In summary, the available evidence is currently insufficient to determine the role of this variant in disease. Therefore, it has been classified as a Variant of Uncertain Significance.

Ambry Genetics
Classification: Uncertain significance for Hereditary cancer-predisposing syndrome. Last evaluated: 2022-04-19. Review status: criteria provided, single submitter. Criteria: Ambry Variant Classification Scheme 2023. Collection method: clinical testing. Allele origin: germline.
Comment: The p.E949D variant (also known as c.2847A>C), located in coding exon 17 of the ALK gene, results from an A to C substitution at nucleotide position 2847. The glutamic acid at codon 949 is replaced by aspartic acid, an amino acid with highly similar properties. This amino acid position is conserved. In addition, this alteration is predicted to be tolerated by in silico analysis. Since supporting evidence is limited at this time, the clinical significance of this alteration remains unclear.